The following is an entry in ClinVar:

NM_001104631.2(PDE4D):c.1593A>G (p.Leu531=)

Gene: PDE4D (phosphodiesterase 4D; minus strand). Cytogenetic location: 5q11.2.
Variant type: single nucleotide variant.
Coding change: c.1593A>G on transcript NM_001104631.2 (MANE Select); coding-DNA position 1593, A replaced by G.
Protein change: p.Leu531=; no amino-acid change (leucine 531 retained).
Molecular consequence: synonymous variant.
Genome position (GRCh38, 1-based): chr5:58,977,305, T>C on the plus strand (A>G on the coding strand, the complement: PDE4D is on the minus strand). VCF-style: chr5-58977305-T-C. GRCh37 (hg19) VCF-style: chr5-58273132-T-C.
Other names: c.1410A>G, p.Leu470= (NM_001165899.2, NM_001364599.1); c.1401A>G, p.Leu467= (NM_001197218.2); c.1227A>G, p.Leu409= (NM_001197219.2); c.1203A>G, p.Leu401= (NM_001197220.2); c.687A>G, p.Leu229= (NM_001197221.2, NM_001364603.1); c.921A>G, p.Leu307= (NM_001197222.2); c.720A>G, p.Leu240= (NM_001197223.2); c.1380A>G, p.Leu460= (NM_001349241.2); and 3 more.
Identifiers: ClinVar variation 3629442 (VCV003629442.15).

ClinVar aggregate classification (germline): Likely benign. Review status: criteria provided, multiple submitters, no conflicts (2 of 4 stars). 2 submissions from 2 submitters: Likely benign (2). Last evaluated 2024-12-01.

gnomAD v4.1: 6 of 1,612,416 alleles (0.00037%); highest among the groups gnomAD compares: Non-Finnish European, 0.00042%; no homozygotes.

Submissions (2):

CeGaT Center for Human Genetics Tuebingen
Classification: Likely benign. Last evaluated: 2024-12-01. Review status: criteria provided, single submitter. Criteria: CeGaT Center For Human Genetics Tuebingen Variant Classification Criteria Version 2. Collection method: clinical testing. Allele origin: germline. Affected: yes. Observed: 1 variant allele.
Comment: PDE4D: BP4, BP7

Labcorp Genetics (formerly Invitae), Labcorp
Classification: Likely benign. Last evaluated: 2024-05-15. Review status: criteria provided, single submitter. Criteria: Invitae Variant Classification Sherloc (09022015). Collection method: clinical testing. Allele origin: germline.